The following is an entry in ClinVar:

ClinVar aggregate classification (germline): Uncertain significance (1 of 4 stars; one submission).

Submission:

Labcorp Genetics (formerly Invitae), Labcorp
Classification: Uncertain significance. Last evaluated: 2023-07-07. Review status: criteria provided, single submitter. Criteria: Invitae Variant Classification Sherloc (09022015). Collection method: clinical testing. Allele origin: germline.
Comment: This sequence change replaces glutamine, which is neutral and polar, with arginine, which is basic and polar, at codon 81 of the HEPACAM protein (p.Gln81Arg). This variant is not present in population databases (gnomAD no frequency). This variant has not been reported in the literature in individuals affected with HEPACAM-related conditions. ClinVar contains an entry for this variant (Variation ID: 1349436). Advanced modeling of protein sequence and biophysical properties (such as structural, functional, and spatial information, amino acid conservation, physicochemical variation, residue mobility, and thermodynamic stability) has been performed at Invitae for this missense variant, however the output from this modeling did not meet the statistical confidence thresholds required to predict the impact of this variant on HEPACAM protein function. In summary, the available evidence is currently insufficient to determine the role of this variant in disease. Therefore, it has been classified as a Variant of Uncertain Significance.

NM_152722.5(HEPACAM):c.242A>G (p.Gln81Arg)

Gene: HEPACAM (hepatic and glial cell adhesion molecule; minus strand). Cytogenetic location: 11q24.2.
Variant type: single nucleotide variant.
Coding change: c.242A>G on transcript NM_152722.5 (MANE Select); coding-DNA position 242, A replaced by G.
Protein change: p.Gln81Arg; replaces glutamine 81 with arginine.
Molecular consequence: missense variant.
Genome position (GRCh38, 1-based): chr11:124,924,913, T>C on the plus strand (A>G on the coding strand, the complement: HEPACAM is on the minus strand). VCF-style: chr11-124924913-T-C. GRCh37 (hg19) VCF-style: chr11-124794809-T-C.
Other names: short protein forms Q81R.
Identifiers: ClinVar variation 1349436 (VCV001349436.6), dbSNP rs2135400075, ClinGen allele CA383143501.